The following is an entry in ClinVar:

NM_016816.4(OAS1):c.199G>A (p.Gly67Ser)

Gene: OAS1 (2'-5'-oligoadenylate synthetase 1; plus strand). Cytogenetic location: 12q24.13.
Variant type: single nucleotide variant.
Coding change: c.199G>A on transcript NM_016816.4 (MANE Select); coding-DNA position 199, G replaced by A.
Protein change: p.Gly67Ser; replaces glycine 67 with serine.
Molecular consequence: missense variant.
Genome position (GRCh38, 1-based): chr12:112,908,554, G>A. VCF-style: chr12-112908554-G-A. GRCh37 (hg19) VCF-style: chr12-113346359-G-A.
Other names: c.199G>A, p.Gly67Ser (NM_001032409.3, NM_001320151.2, NM_001406020.1 and 7 more transcripts); short protein forms G67S.
Identifiers: ClinVar variation 2047587 (VCV002047587.4), dbSNP rs2540945081, ClinGen allele CA386799964.
Genomic context (GRCh38, chr12:112,908,554, plus strand): 5'-GCCTCACTAAGCATCAATTATTATTTTTGTCGTCTTTTTCAGGGTGGCTCCTCAGGCAAG[G>A]GCACCACCCTCAGAGGCCGATCTGACGCTGACCTGGTTGTCTTCCTCAGTCCTCTCACCA-3'
Protein context (NP_058132.2, residues 57-77): KVVKGGSSGK[Gly67Ser]TTLRGRSDAD

ClinVar aggregate classification (germline): Uncertain significance (1 of 4 stars; one submission).

Submission:

Labcorp Genetics (formerly Invitae), Labcorp
Classification: Uncertain significance. Last evaluated: 2024-05-28. Review status: criteria provided, single submitter. Criteria: Invitae Variant Classification Sherloc (09022015). Collection method: clinical testing. Allele origin: germline.
Comment: This sequence change replaces glycine, which is neutral and non-polar, with serine, which is neutral and polar, at codon 67 of the OAS1 protein (p.Gly67Ser). This variant is not present in population databases (gnomAD no frequency). This variant has not been reported in the literature in individuals affected with OAS1-related conditions. ClinVar contains an entry for this variant (Variation ID: 2047587). An algorithm developed to predict the effect of missense changes on protein structure and function (PolyPhen-2) suggests that this variant is likely to be disruptive. In summary, the available evidence is currently insufficient to determine the role of this variant in disease. Therefore, it has been classified as a Variant of Uncertain Significance.